The following is an entry in ClinVar:

NM_015164.4(PLEKHM2):c.142C>A (p.His48Asn)

Gene: PLEKHM2 (pleckstrin homology and RUN domain containing M2; plus strand). Cytogenetic location: 1p36.21.
Variant type: single nucleotide variant.
Coding change: c.142C>A on transcript NM_015164.4 (MANE Select); coding-DNA position 142, C replaced by A.
Protein change: p.His48Asn; replaces histidine 48 with asparagine.
Molecular consequence: missense variant.
Genome position (GRCh38, 1-based): chr1:15,716,318, C>A. VCF-style: chr1-15716318-C-A. GRCh37 (hg19) VCF-style: chr1-16042813-C-A.
Other names: c.142C>A, p.His48Asn (NM_001410755.1); short protein forms H48N.
Identifiers: ClinVar variation 2803706 (VCV002803706.3), dbSNP rs2522382588, ClinGen allele CA338577496.

ClinVar aggregate classification (germline): Uncertain significance (1 of 4 stars; one submission).

Allele frequency attached by ClinVar (database versions not stated): gnomAD exomes below 0.00001.
gnomAD v4.1: 2 of 1,602,414 alleles (0.00012%); highest among the groups gnomAD compares: East Asian, 0.0022%; no homozygotes.

Submission:

Labcorp Genetics (formerly Invitae), Labcorp
Classification: Uncertain significance. Last evaluated: 2023-11-25. Review status: criteria provided, single submitter. Criteria: Invitae Variant Classification Sherloc (09022015). Collection method: clinical testing. Allele origin: germline.
Comment: This sequence change replaces histidine, which is basic and polar, with asparagine, which is neutral and polar, at codon 48 of the PLEKHM2 protein (p.His48Asn). This variant is not present in population databases (gnomAD no frequency). This variant has not been reported in the literature in individuals affected with PLEKHM2-related conditions. An algorithm developed to predict the effect of missense changes on protein structure and function (PolyPhen-2) suggests that this variant is likely to be disruptive. In summary, the available evidence is currently insufficient to determine the role of this variant in disease. Therefore, it has been classified as a Variant of Uncertain Significance.